The following is an entry in ClinVar:

NM_001370466.1(NOD2):c.2776A>G (p.Lys926Glu)

Gene: NOD2 (nucleotide binding oligomerization domain containing 2; plus strand). Cytogenetic location: 16q12.1.
Variant type: single nucleotide variant.
Coding change: c.2776A>G on transcript NM_001370466.1 (MANE Select); coding-DNA position 2776, A replaced by G.
Protein change: p.Lys926Glu; replaces lysine 926 with glutamic acid.
Molecular consequence: missense variant. On other transcripts: non-coding transcript variant (1).
Genome position (GRCh38, 1-based): chr16:50,723,359, A>G. VCF-style: chr16-50723359-A-G. GRCh37 (hg19) VCF-style: chr16-50757270-A-G.
Other names: c.2776A>G, p.Lys926Glu (NM_001293557.2); c.2857A>G, p.Lys953Glu (NM_022162.3); short protein forms K926E, K953E.
Identifiers: ClinVar variation 852157 (VCV000852157.33), dbSNP rs375705174, ClinGen allele CA8052001.

ClinVar aggregate classification (germline): Conflicting classifications of pathogenicity. Review status: criteria provided, conflicting classifications (1 of 4 stars). 2 submissions from 2 submitters: Uncertain significance (1); Likely benign (1). Last evaluated 2024-04-22.

Conditions:
Blau syndrome (BLAUS). Also called: ARTHROCUTANEOUVEAL GRANULOMATOSIS; GRANULOMATOSIS, FAMILIAL JUVENILE SYSTEMIC; GRANULOMATOSIS, FAMILIAL, BLAU TYPE; GRANULOMATOUS INFLAMMATORY ARTHRITIS, DERMATITIS, AND UVEITIS, FAMILIAL; JABS SYNDROME. Identifiers: Orphanet 90340, MedGen C5201146, MONDO:0008523, OMIM 186580.
Regional enteritis. Also called: Enteritis, Granulomatous. Identifiers: MedGen C0678202, MeSH D003424.

Allele frequency attached by ClinVar (database versions not stated): gnomAD exomes 0.00003 and 0.00004; ExAC 0.00004; gnomAD 0.00005; TOPMed 0.00006; ESP Exome Variant Server 0.00008.

Submissions (2):

Labcorp Genetics (formerly Invitae), Labcorp
Classification: Uncertain significance for Regional enteritis; Blau syndrome. Last evaluated: 2024-04-22. Review status: criteria provided, single submitter. Criteria: Invitae Variant Classification Sherloc (09022015). Collection method: clinical testing. Allele origin: germline.
Comment: This sequence change replaces lysine, which is basic and polar, with glutamic acid, which is acidic and polar, at codon 953 of the NOD2 protein (p.Lys953Glu). This variant is present in population databases (rs375705174, gnomAD 0.006%). This missense change has been observed in individual(s) with ulcerative colitis (PMID: 24595243, 29248579). ClinVar contains an entry for this variant (Variation ID: 852157). Advanced modeling of protein sequence and biophysical properties (such as structural, functional, and spatial information, amino acid conservation, physicochemical variation, residue mobility, and thermodynamic stability) performed at Invitae indicates that this missense variant is not expected to disrupt NOD2 protein function with a negative predictive value of 95%. In summary, the available evidence is currently insufficient to determine the role of this variant in disease. Therefore, it has been classified as a Variant of Uncertain Significance.

CeGaT Center for Human Genetics Tuebingen
Classification: Likely benign. Last evaluated: 2022-08-01. Review status: criteria provided, single submitter. Criteria: CeGaT Center For Human Genetics Tuebingen Variant Classification Criteria Version 2. Collection method: clinical testing. Allele origin: germline. Affected: yes. Observed: 1 variant allele.
Comment: NOD2: BP4

Literature cited by the submitters: PubMed 24595243 (cited by Labcorp Genetics (formerly Invitae), Labcorp); PubMed 29248579 (cited by Labcorp Genetics (formerly Invitae), Labcorp).